The following is an entry in ClinVar:

ClinVar aggregate classification (germline): Uncertain significance (1 of 4 stars; one submission).

Submission:

Labcorp Genetics (formerly Invitae), Labcorp
Classification: Uncertain significance. Last evaluated: 2021-08-07. Review status: criteria provided, single submitter. Criteria: Invitae Variant Classification Sherloc (09022015). Collection method: clinical testing. Allele origin: germline.
Comment: In summary, the available evidence is currently insufficient to determine the role of this variant in disease. Therefore, it has been classified as a Variant of Uncertain Significance. Advanced modeling of protein sequence and biophysical properties (such as structural, functional, and spatial information, amino acid conservation, physicochemical variation, residue mobility, and thermodynamic stability) performed at Invitae indicates that this missense variant is expected to disrupt CPLANE1 protein function. This variant has not been reported in the literature in individuals affected with CPLANE1-related conditions. This variant is not present in population databases (ExAC no frequency). This sequence change replaces threonine with isoleucine at codon 1598 of the CPLANE1 protein (p.Thr1598Ile). The threonine residue is moderately conserved and there is a moderate physicochemical difference between threonine and isoleucine.

NM_001384732.1(CPLANE1):c.4793C>T (p.Thr1598Ile)

Gene: CPLANE1 (ciliogenesis and planar polarity effector complex subunit 1; minus strand). Cytogenetic location: 5p13.2.
Variant type: single nucleotide variant.
Coding change: c.4793C>T on transcript NM_001384732.1 (MANE Select); coding-DNA position 4793, C replaced by T.
Protein change: p.Thr1598Ile; replaces threonine 1598 with isoleucine.
Molecular consequence: missense variant.
Genome position (GRCh38, 1-based): chr5:37,183,388, G>A on the plus strand (C>T on the coding strand, the complement: CPLANE1 is on the minus strand). VCF-style: chr5-37183388-G-A. GRCh37 (hg19) VCF-style: chr5-37183490-G-A.
Other names: c.4793C>T, p.Thr1598Ile (NM_023073.4); short protein forms T1598I.
Identifiers: ClinVar variation 1482251 (VCV001482251.6), dbSNP rs147588579, ClinGen allele CA359496155.